The following is an entry in ClinVar:

NM_001303052.2(MYT1L):c.3358G>C (p.Glu1120Gln)

Gene: MYT1L (myelin transcription factor 1 like; minus strand). Cytogenetic location: 2p25.3.
Variant type: single nucleotide variant.
Coding change: c.3358G>C on transcript NM_001303052.2 (MANE Select); coding-DNA position 3358, G replaced by C.
Protein change: p.Glu1120Gln; replaces glutamic acid 1120 with glutamine.
Molecular consequence: missense variant.
Genome position (GRCh38, 1-based): chr2:1,792,383, C>G on the plus strand (G>C on the coding strand, the complement: MYT1L is on the minus strand). VCF-style: chr2-1792383-C-G. GRCh37 (hg19) VCF-style: chr2-1796155-C-G.
Other names: c.3358G>C, p.Glu1120Gln (NM_001329844.2, NM_001329845.1, NM_001329849.3 and 2 more transcripts); c.3352G>C, p.Glu1118Gln (NM_001329846.3, NM_001329847.2, NM_001329848.1 and 1 more transcripts); short protein forms E1118Q, E1120Q.
Identifiers: ClinVar variation 1310237 (VCV001310237.2), dbSNP rs2147786857, ClinGen allele CA345732971.

ClinVar aggregate classification (germline): Uncertain significance (1 of 4 stars; one submission).

gnomAD v4.1: 1 of 1,611,980 alleles (0.000062%); highest among the groups gnomAD compares: Non-Finnish European, 0.000085%; no homozygotes.

Submission:

GeneDx
Classification: Uncertain significance. Last evaluated: 2019-11-13. Review status: criteria provided, single submitter. Criteria: GeneDx Variant Classification Process June 2021. Collection method: clinical testing. Allele origin: germline. Affected: yes.
Comment: Not observed in large population cohorts (Lek et al., 2016); In silico analysis, which includes protein predictors and evolutionary conservation, supports a deleterious effect; In silico analysis, which includes splice predictors and evolutionary conservation, suggests this variant may impact gene splicing. In the absence of RNA/functional studies, the actual effect of this sequence change is unknown.; Has not been previously published as pathogenic or benign to our knowledge